The following is an entry in ClinVar:

NM_000303.3(PMM2):c.256-1G>C

Gene: PMM2 (phosphomannomutase 2; plus strand). Cytogenetic location: 16p13.2.
Variant type: single nucleotide variant.
Coding change: c.256-1G>C on transcript NM_000303.3 (MANE Select); the canonical splice acceptor site of the intron before coding-DNA position 256, G replaced by C.
Molecular consequence: splice acceptor variant.
Genome position (GRCh38, 1-based): chr16:8,806,315, G>C. VCF-style: chr16-8806315-G-C. GRCh37 (hg19) VCF-style: chr16-8900172-G-C.
Other names: IVS3AS, G-C, -1.
Identifiers: ClinVar variation 7727 (VCV000007727.20), dbSNP rs757394782, ClinGen allele CA7893987.

ClinVar aggregate classification (germline): Pathogenic. Review status: criteria provided, multiple submitters, no conflicts (2 of 4 stars). 5 submissions from 5 submitters: Pathogenic (4). 1 of the submissions does not count toward it. Last evaluated 2025-10-15.

Conditions:
PMM2-related disorder. Also called: PMM2-related condition.
PMM2-congenital disorder of glycosylation. Also called: CDG Ia; PHOSPHOMANNOMUTASE 2 DEFICIENCY; Congenital disorder of glycosylation, type Ia; CARBOHYDRATE-DEFICIENT GLYCOPROTEIN SYNDROME, TYPE Ia; PMM2-CDG; JAEKEN SYNDROME. Identifiers: Orphanet 79318, MedGen C0349653, MONDO:0008907, OMIM 212065.

Allele frequency attached by ClinVar (database versions not stated): gnomAD exomes below 0.00001 and 0.00001; ExAC 0.00002.
gnomAD v4.1: 6 of 1,580,876 alleles (0.00038%); highest among the groups gnomAD compares: Non-Finnish European, 0.00026%; no homozygotes.

Submissions (5):

Natera, Inc.
Classification: Pathogenic for Congenital disorder of glycosylation type 1a. Last evaluated: 2025-10-15. Review status: criteria provided, single submitter. Criteria: Natera Variant Classification Schema (03/2026). Collection method: clinical testing. Allele origin: germline.
Comment: The c.256-1G>C variant in PMM2 is a canonical splice acceptor site variant predicted to affect pre-mRNA splicing, which may result in an abnormal transcript and altered protein product. This variant is expected to result in nonsense mediated decay, truncation, or a dysfunctional protein product. This variant is rare in the general population with a frequency below the threshold expected for the associated phenotype(s). This variant has been observed in one or more individuals affected with the associated recessive disease, as either homozygous or compound heterozygous with a second variant (PMID: 19235233). Functional studies show that this variant may disrupt protein function (PMID: 19235233). Given the available evidence, this variant is classified as Pathogenic.

Labcorp Genetics (formerly Invitae), Labcorp
Classification: Pathogenic for PMM2-congenital disorder of glycosylation. Last evaluated: 2025-08-14. Review status: criteria provided, single submitter. Criteria: Invitae Variant Classification Sherloc (09022015). Collection method: clinical testing. Allele origin: germline.
Comment: This sequence change affects an acceptor splice site in intron 3 of the PMM2 gene. RNA analysis indicates that disruption of this splice site induces altered splicing and may result in an absent or altered protein product. This variant is present in population databases (rs757394782, gnomAD 0.003%). Disruption of this splice site has been observed in individual(s) with congenital disorder of glycosylation type 1a (PMID: 19235233). ClinVar contains an entry for this variant (Variation ID: 7727). Studies have shown that disruption of this splice site results in skipping of exons 3 and 4, and produces a non-functional protein and/or introduces a premature termination codon (PMID: 19235233). For these reasons, this variant has been classified as Pathogenic.

PreventionGenetics, part of Exact Sciences
Classification: Pathogenic for PMM2-related condition. Last evaluated: 2025-01-30. Review status: criteria provided, single submitter. Criteria: ACMG Guidelines, 2015. Collection method: clinical testing. Allele origin: germline.
Comment: The PMM2 c.256-1G>C variant is predicted to disrupt the AG splice acceptor site and interfere with normal splicing. This variant was reported in, along with a second potential causative variant, in an individual with congenital disorder of glycosylation 1a (Vega et al. 2009. PubMed ID: 19235233; Vega et al. 2011. PubMed ID: 21541725). This variant is reported in 0.0026% of alleles in individuals of European (Non-Finnish) descent in gnomAD. Variants that disrupt the consensus splice acceptor site in PMM2 are expected to be pathogenic. This variant is interpreted as pathogenic.

Women's Health and Genetics/Laboratory Corporation of America, LabCorp
Classification: Pathogenic for Carbohydrate-deficient glycoprotein syndrome type I. Last evaluated: 2018-09-17. Review status: criteria provided, single submitter. Criteria: LabCorp Variant Classification Summary - May 2015. Collection method: clinical testing. Allele origin: germline.
Comment: Variant summary: PMM2 c.256-1G>C is located in a canonical splice-site and is predicted to affect mRNA splicing resulting in a significantly altered protein due to either exon skipping, shortening, or inclusion of intronic material. Several computational tools predict a significant impact on normal splicing: Five predict the variant abolishes a 3 acceptor site. The variant allele was found at a frequency of 1.2e-05 in 246156 control chromosomes. c.256-1G>C has been reported in the literature in an individual affected with Congenital Disorder of Glycosylation Type 1a who had <10% PMM activity and whose fibroblasts showed skipping of exons 3 and 4 (Vega_2008). No clinical diagnostic laboratories have submitted clinical-significance assessments for this variant to ClinVar after 2014. Based on the evidence outlined above, the variant was classified as pathogenic.

OMIM
Classification: Pathogenic for CONGENITAL DISORDER OF GLYCOSYLATION, TYPE Ia. Last evaluated: 2009-05-01. Review status: no assertion criteria provided. Collection method: literature only. Allele origin: germline. Not counted in ClinVar's aggregate classification.

Literature cited by the submitters: PubMed 19235233 (cited by 4 submitters); PubMed 21541725 (cited by Women's Health and Genetics/Laboratory Corporation of America, LabCorp).